The following is an entry in ClinVar:

NM_001379500.1(COL18A1):c.2728G>T (p.Gly910Trp)

Genes: COL18A1 (collagen type XVIII alpha 1 chain; plus strand), SLC19A1 (solute carrier family 19 member 1; minus strand). Cytogenetic location: 21q22.3.
Variant type: single nucleotide variant.
Coding change: c.2728G>T on transcript NM_001379500.1 (MANE Select); coding-DNA position 2728, G replaced by T.
Protein change: p.Gly910Trp; replaces glycine 910 with tryptophan.
Molecular consequence: missense variant.
Genome position (GRCh38, 1-based): chr21:45,504,416, G>T. VCF-style: chr21-45504416-G-T. GRCh37 (hg19) VCF-style: chr21-46924330-G-T.
Other names: c.3268G>T, p.Gly1090Trp (NM_030582.4); c.3973G>T, p.Gly1325Trp (NM_130444.3); short protein forms G1325W, G910W, G1090W.
Identifiers: ClinVar variation 1469729 (VCV001469729.3), dbSNP rs767090801, ClinGen allele CA410499093.
Genomic context (GRCh38, chr21:45,504,416, plus strand): 5'-AGGCCACCTGTGGCTTGTAGGGGTTCAGGGCTCCCGTGTAACAAGTGTTTCCGTCCACAG[G>T]GGGAGAAGGGAGACCGAGGTGATGCAGGACAGAAAGGCGAAAGGGGGGAGCCCGGGGGCG-3'
Protein context (NP_001366429.1, residues 900-920): DFLQLEAEMK[Gly910Trp]EKGDRGDAGQ

ClinVar aggregate classification (germline): Uncertain significance (1 of 4 stars; one submission).

gnomAD v4.1: 3 of 1,611,446 alleles (0.00019%); highest among the groups gnomAD compares: Non-Finnish European, 0.00025%; no homozygotes.

Submission:

Labcorp Genetics (formerly Invitae), Labcorp
Classification: Uncertain significance. Last evaluated: 2022-10-24. Review status: criteria provided, single submitter. Criteria: Invitae Variant Classification Sherloc (09022015). Collection method: clinical testing. Allele origin: germline.
Comment: This sequence change replaces glycine with tryptophan at codon 910 of the COL18A1 protein (p.Gly910Trp). There is a large physicochemical difference between glycine and tryptophan. This variant is present in population databases (no rsID available, gnomAD 0.002%). This variant has not been reported in the literature in individuals affected with COL18A1-related conditions. ClinVar contains an entry for this variant (Variation ID: 1469729). Experimental studies and prediction algorithms are not available or were not evaluated, and the functional significance of this variant is currently unknown. In summary, the available evidence is currently insufficient to determine the role of this variant in disease. Therefore, it has been classified as a Variant of Uncertain Significance.